The following is an entry in ClinVar:

ClinVar aggregate classification (germline): Likely pathogenic (1 of 4 stars; one submission).

Conditions:
Autosomal recessive limb-girdle muscular dystrophy type 2Y (MRRSDC). Also called: Muscular dystrophy, autosomal recessive, with rigid spine and distal joint contractures; Muscular dystrophy, limb-girdle, type 2y. Identifiers: Orphanet 424261, MedGen C4511482, MONDO:0014900, OMIM 617072.

Submission:

Labcorp Genetics (formerly Invitae), Labcorp
Classification: Likely pathogenic for Autosomal recessive limb-girdle muscular dystrophy type 2Y. Last evaluated: 2024-04-06. Review status: criteria provided, single submitter. Criteria: Invitae Variant Classification Sherloc (09022015). Collection method: clinical testing. Allele origin: germline.
Comment: This sequence change affects an acceptor splice site in intron 1 of the TOR1AIP1 gene. It is expected to disrupt RNA splicing. Variants that disrupt the donor or acceptor splice site typically lead to a loss of protein function (PMID: 16199547), and loss-of-function variants in TOR1AIP1 are known to be pathogenic (PMID: 24856141, 27342937). This variant is not present in population databases (gnomAD no frequency). This variant has not been reported in the literature in individuals affected with TOR1AIP1-related conditions. Algorithms developed to predict the effect of sequence changes on RNA splicing suggest that this variant may disrupt the consensus splice site. In summary, the currently available evidence indicates that the variant is pathogenic, but additional data are needed to prove that conclusively. Therefore, this variant has been classified as Likely Pathogenic.

Literature cited by the submitters: PubMed 16199547; PubMed 24856141; PubMed 27342937.

NM_015602.4(TOR1AIP1):c.476-1G>C

Gene: TOR1AIP1 (torsin 1A interacting protein 1; plus strand). Cytogenetic location: 1q25.2.
Variant type: single nucleotide variant.
Coding change: c.476-1G>C on transcript NM_015602.4 (MANE Select); the canonical splice acceptor site of the intron before coding-DNA position 476, G replaced by C.
Molecular consequence: splice acceptor variant.
Genome position (GRCh38, 1-based): chr1:179,884,691, G>C. VCF-style: chr1-179884691-G-C. GRCh37 (hg19) VCF-style: chr1-179853826-G-C.
Other names: c.476-1G>C (NM_001267578.2).
Identifiers: ClinVar variation 3603577 (VCV003603577.2).